The following is an entry in ClinVar:

NM_001378452.1(ITPR1):c.6491T>A (p.Ile2164Asn)

Gene: ITPR1 (inositol 1,4,5-trisphosphate receptor type 1; plus strand). Cytogenetic location: 3p26.1.
Variant type: single nucleotide variant.
Coding change: c.6491T>A on transcript NM_001378452.1 (MANE Select); coding-DNA position 6491, T replaced by A.
Protein change: p.Ile2164Asn; replaces isoleucine 2164 with asparagine.
Molecular consequence: missense variant.
Genome position (GRCh38, 1-based): chr3:4,782,722, T>A. VCF-style: chr3-4782722-T-A. GRCh37 (hg19) VCF-style: chr3-4824406-T-A.
Other names: c.6347T>A, p.Ile2116Asn (NM_001099952.4); c.6446T>A, p.Ile2149Asn (NM_001168272.2); c.6302T>A, p.Ile2101Asn (NM_002222.7); short protein forms I2101N, I2116N, I2149N, I2164N.
Identifiers: ClinVar variation 1901558 (VCV001901558.5), dbSNP rs2046914708, ClinGen allele CA351639609.

ClinVar aggregate classification (germline): Uncertain significance (1 of 4 stars; one submission).

Allele frequency attached by ClinVar (database versions not stated): gnomAD 0.00001; TOPMed 0.00001.
gnomAD v4.1: 1 of 1,579,796 alleles (0.000063%); highest among the groups gnomAD compares: Admixed American, 0.0018%; no homozygotes.

Submission:

Labcorp Genetics (formerly Invitae), Labcorp
Classification: Uncertain significance. Last evaluated: 2023-08-27. Review status: criteria provided, single submitter. Criteria: Invitae Variant Classification Sherloc (09022015). Collection method: clinical testing. Allele origin: germline.
Comment: This sequence change replaces isoleucine, which is neutral and non-polar, with asparagine, which is neutral and polar, at codon 2101 of the ITPR1 protein (p.Ile2101Asn). This variant is not present in population databases (gnomAD no frequency). This variant has not been reported in the literature in individuals affected with ITPR1-related conditions. ClinVar contains an entry for this variant (Variation ID: 1901558). Advanced modeling of protein sequence and biophysical properties (such as structural, functional, and spatial information, amino acid conservation, physicochemical variation, residue mobility, and thermodynamic stability) performed at Invitae indicates that this missense variant is expected to disrupt ITPR1 protein function. In summary, the available evidence is currently insufficient to determine the role of this variant in disease. Therefore, it has been classified as a Variant of Uncertain Significance.